The following is an entry in ClinVar:

NM_014714.4(IFT140):c.3079G>C (p.Gly1027Arg)

Genes: IFT140 (intraflagellar transport 140; minus strand), LOC126862260 (CDK7 strongly-dependent group 2 enhancer GRCh37_chr16:1574508-1575707; plus strand). Cytogenetic location: 16p13.3.
Variant type: single nucleotide variant.
Coding change: c.3079G>C on transcript NM_014714.4 (MANE Select); coding-DNA position 3079, G replaced by C.
Protein change: p.Gly1027Arg; replaces glycine 1027 with arginine.
Molecular consequence: missense variant.
Genome position (GRCh38, 1-based): chr16:1,524,614, C>G on the plus strand (G>C on the coding strand, the complement: IFT140 is on the minus strand). VCF-style: chr16-1524614-C-G. GRCh37 (hg19) VCF-style: chr16-1574615-C-G.
Other names: short protein forms G1027R.
Identifiers: ClinVar variation 3578494 (VCV003578494.3).

ClinVar aggregate classification (germline): Conflicting classifications of pathogenicity. Review status: criteria provided, conflicting classifications (1 of 4 stars). 3 submissions from 3 submitters: Uncertain significance (2); Likely benign (1). Last evaluated 2026-02-20.

Conditions:
Saldino-Mainzer syndrome (SRTD9). Also called: CONORENAL SYNDROME; SHORT-RIB THORACIC DYSPLASIA 9 WITHOUT POLYDACTYLY; Renal dysplasia, retinal pigmentary dystrophy, cerebellar ataxia and skeletal dysplasia; short-rib thoracic dysplasia 9 with or without polydactyly. Identifiers: Orphanet 140969, MedGen C1849437, MONDO:0009964, OMIM 266920.
Retinitis pigmentosa 80 (RP80). Identifiers: MedGen C4540439, MONDO:0054708, OMIM 617781.

gnomAD v4.1: 30 of 1,604,188 alleles (0.0019%); highest among the groups gnomAD compares: South Asian, 0.031%; no homozygotes.

Submissions (3):

Centre for Medical Genetics,  Mumbai
Classification: Likely benign for Saldino-Mainzer syndrome. Last evaluated: 2026-02-20. Review status: criteria provided, single submitter. Criteria: ACMG Guidelines, 2015. Collection method: provider interpretation. Allele origin: germline. Inheritance: Autosomal recessive inheritance. Affected: no. Observed: 1 homozygote.
Comment: The variant satisfies PM2 criteria; Extremely low frequency in gnomAD population databases. The variant satisfies BP4 criteria; For a missense or a splice region variant, computational prediction tools unanimously support a benign effect on the gene. However, the variant satisfies BS2 criteria.

Labcorp Genetics (formerly Invitae), Labcorp
Classification: Uncertain significance for Saldino-Mainzer syndrome. Last evaluated: 2025-09-10. Review status: criteria provided, single submitter. Criteria: Invitae Variant Classification Sherloc (09022015). Collection method: clinical testing. Allele origin: germline.
Comment: This sequence change replaces glycine, which is neutral and non-polar, with arginine, which is basic and polar, at codon 1027 of the IFT140 protein (p.Gly1027Arg). This variant is present in population databases (rs137995818, gnomAD 0.03%). This variant has not been reported in the literature in individuals affected with IFT140-related conditions. ClinVar contains an entry for this variant (Variation ID: 3578494). Invitae Evidence Modeling of protein sequence and biophysical properties (such as structural, functional, and spatial information, amino acid conservation, physicochemical variation, residue mobility, and thermodynamic stability) indicates that this missense variant is not expected to disrupt IFT140 protein function with a negative predictive value of 95%. In summary, the available evidence is currently insufficient to determine the role of this variant in disease. Therefore, it has been classified as a Variant of Uncertain Significance.

Fulgent Genetics
Classification: Uncertain significance for Saldino-Mainzer syndrome; Retinitis pigmentosa 80. Last evaluated: 2024-03-26. Review status: criteria provided, single submitter. Criteria: ACMG Guidelines, 2015. Collection method: clinical testing. Allele origin: germline.

Literature cited by the submitters: PubMed 22503633 (cited by Centre for Medical Genetics,  Mumbai).